The following is an entry in ClinVar:

ClinVar aggregate classification (germline): Likely benign (1 of 4 stars; one submission).

Submission:

CeGaT Center for Human Genetics Tuebingen
Classification: Likely benign. Last evaluated: 2025-05-01. Review status: criteria provided, single submitter. Criteria: CeGaT Center For Human Genetics Tuebingen Variant Classification Criteria Version 2. Collection method: clinical testing. Allele origin: germline. Affected: yes. Observed: 3 variant alleles.
Comment: POM121L7P: BP4, BP7

NC_000022.11:g.21126623A>G

Variant type: single nucleotide variant.
Genome position: GRCh38 VCF-style: chr22-21126623-A-G. GRCh37 (hg19) VCF-style: chr22-21480912-A-G.
Identifiers: ClinVar variation 3026057 (VCV003026057.22), dbSNP rs1179168146, ClinGen allele CA513715552.